The following is an entry in ClinVar:

ClinVar aggregate classification (germline): Uncertain significance. Review status: criteria provided, multiple submitters, no conflicts (2 of 4 stars). 2 submissions from 2 submitters: Uncertain significance (2). Last evaluated 2023-08-01.

Conditions:
Dilated cardiomyopathy 1W (CMD1W). Identifiers: Orphanet 154, MedGen C1969639, MONDO:0012667, OMIM 611407.
Hypertrophic cardiomyopathy 15. Identifiers: MedGen C2750459, MONDO:0013200, OMIM 613255.
Primary dilated cardiomyopathy (DCM). Also called: Dilated Cardiomyopathy. Identifiers: Orphanet 217604, MedGen C0007193, MeSH D002311, MONDO:0005021, HP:0001644. Inheritance: Various modes of inheritance.

Submissions (2):

Molecular Genetics, Royal Melbourne Hospital
Classification: Uncertain significance for Primary dilated cardiomyopathy. Last evaluated: 2023-08-01. Review status: criteria provided, single submitter. Criteria: ACMG Guidelines, 2015. Collection method: clinical testing. Allele origin: germline. Inheritance: Autosomal dominant inheritance. Affected: yes.
Comment: This sequence change in VCL is predicted to replace leucine with proline at codon 448, p.(Leu448Pro). The leucine residue is highly conserved (100 vertebrates, UCSC), and is not located in an annotated domain. There is a moderate physicochemical difference between leucine and proline. This variant is absent from the population database gnomAD v2.1 and v3.1. To our knowledge, this variant has not been previously reported in the relevant scientific literature. The variant has been reported in one individual with atrial fibrillation (ClinVar: SCV002764297.1) Computational evidence predicts a deleterious effect for the missense substitution (REVEL = 0.721). Based on the classification scheme RMH Modified ACMG/AMP Guidelines v1.6.1, this variant is classified as a VARIANT OF UNCERTAIN SIGNIFICANCE. Following criteria are met: PM2_Supporting, PP3

New York Genome Center
Classification: Uncertain significance for Dilated cardiomyopathy 1W; Hypertrophic cardiomyopathy 15. Last evaluated: 2021-06-11. Review status: criteria provided, single submitter. Criteria: NYGC Assertion Criteria 2020. Collection method: clinical testing. Allele origin: germline. Observed: 1 heterozygote.

NM_014000.3(VCL):c.1343T>C (p.Leu448Pro)

Gene: VCL (vinculin; plus strand). Cytogenetic location: 10q22.2.
Variant type: single nucleotide variant.
Coding change: c.1343T>C on transcript NM_014000.3 (MANE Select); coding-DNA position 1343, T replaced by C.
Protein change: p.Leu448Pro; replaces leucine 448 with proline.
Molecular consequence: missense variant.
Genome position (GRCh38, 1-based): chr10:74,090,189, T>C. VCF-style: chr10-74090189-T-C. GRCh37 (hg19) VCF-style: chr10-75849947-T-C.
Other names: c.1343T>C, p.Leu448Pro (NM_003373.4); short protein forms L448P.
Identifiers: ClinVar variation 1803826 (VCV001803826.3), dbSNP rs2549223382, ClinGen allele CA377273412.